The following is an entry in ClinVar:

NM_017866.6(TMEM70):c.520G>A (p.Ala174Thr)

Gene: TMEM70 (transmembrane protein 70; plus strand). Cytogenetic location: 8q21.11.
Variant type: single nucleotide variant.
Coding change: c.520G>A on transcript NM_017866.6 (MANE Select); coding-DNA position 520, G replaced by A.
Protein change: p.Ala174Thr; replaces alanine 174 with threonine.
Molecular consequence: missense variant. On other transcripts: 3 prime UTR variant (1), non-coding transcript variant (1).
Genome position (GRCh38, 1-based): chr8:73,981,358, G>A. VCF-style: chr8-73981358-G-A. GRCh37 (hg19) VCF-style: chr8-74893593-G-A.
Other names: c.*210G>A (NM_001040613.3); c.520G>A (NM_017866.5); short protein forms A174T.
Identifiers: ClinVar variation 1429073 (VCV001429073.6), dbSNP rs1815793147, ClinGen allele CA371490163.

ClinVar aggregate classification (germline): Uncertain significance. Review status: criteria provided, multiple submitters, no conflicts (2 of 4 stars). 2 submissions from 2 submitters: Uncertain significance (2). Last evaluated 2025-09-25.

Conditions:
Inborn genetic diseases. Identifiers: MedGen C0950123, MeSH D030342.
Mitochondrial complex V (ATP synthase) deficiency, nuclear type 2. Also called: Nuclear-Encoded ATPase Deficiency, TMEM70-Related; ENCEPHALOCARDIOMYOPATHY, MITOCHONDRIAL, NEONATAL, DUE TO ATP SYNTHASE DEFICIENCY; MITOCHONDRIAL COMPLEX V (ATP SYNTHASE) DEFICIENCY, TMEM70 TYPE. Identifiers: Orphanet 1194, MedGen C3279699, MONDO:0013546, OMIM 614052.

Allele frequency attached by ClinVar (database versions not stated): gnomAD 0.00001.
gnomAD v4.1: 1 of 1,614,044 alleles (0.000062%); highest among the groups gnomAD compares: Non-Finnish European, 0.000085%; no homozygotes.

Submissions (2):

Ambry Genetics
Classification: Uncertain significance for Inborn genetic diseases. Last evaluated: 2025-09-25. Review status: criteria provided, single submitter. Criteria: Ambry Variant Classification Scheme 2023. Collection method: clinical testing. Allele origin: germline.

Labcorp Genetics (formerly Invitae), Labcorp
Classification: Uncertain significance for Mitochondrial complex V (ATP synthase) deficiency, nuclear type 2. Last evaluated: 2021-09-01. Review status: criteria provided, single submitter. Criteria: Invitae Variant Classification Sherloc (09022015). Collection method: clinical testing. Allele origin: germline.
Comment: This sequence change replaces alanine with threonine at codon 174 of the TMEM70 protein (p.Ala174Thr). The alanine residue is moderately conserved and there is a small physicochemical difference between alanine and threonine. This variant is not present in population databases (ExAC no frequency). This variant has not been reported in the literature in individuals affected with TMEM70-related conditions. Algorithms developed to predict the effect of missense changes on protein structure and function are either unavailable or do not agree on the potential impact of this missense change (SIFT: "Tolerated"; PolyPhen-2: "Possibly Damaging"; Align-GVGD: "Class C0"). In summary, the available evidence is currently insufficient to determine the role of this variant in disease. Therefore, it has been classified as a Variant of Uncertain Significance.